The following is an entry in ClinVar:

ClinVar aggregate classification (germline): Conflicting classifications of pathogenicity. Review status: criteria provided, conflicting classifications (1 of 4 stars). 3 submissions from 3 submitters: Pathogenic (2); Uncertain significance (1). Last evaluated 2024-05-22.

Conditions:
Malignant hyperthermia, susceptibility to, 1 (MHS1). Also called: Anesthesia related hyperthermia; Malignant hyperpyrexia; Fulminating hyperpyrexia; Pharmacogenic myopathy; RYR1-Related Malignant Hyperthermia Susceptibility; Malignant hyperthermia suceptibility 1. Identifiers: Orphanet 423, MedGen C2930980, MONDO:0007783, OMIM 145600.
Congenital multicore myopathy with external ophthalmoplegia (CMYO1B). Also called: MULTIMINICORE DISEASE WITH EXTERNAL OPHTHALMOPLEGIA; MULTICORE MYOPATHY; Congenital myopathy 1B, autosomal recessive; Minicore myopathy; Minicore myopathy with external ophthalmoplegia. Identifiers: Orphanet 598, Orphanet 98905, MedGen C1850674, MONDO:0009712, OMIM 255320, HP:0003789.
RYR1-related disorder. Also called: RYR1-related disorders; RYR1-related condition. Identifiers: MedGen CN239331.

Allele frequency attached by ClinVar (database versions not stated): gnomAD exomes below 0.00001 and 0.00001.
gnomAD v4.1: 5 of 1,613,364 alleles (0.00031%); highest among the groups gnomAD compares: Admixed American, 0.0033%; no homozygotes.

Submissions (3):

Labcorp Genetics (formerly Invitae), Labcorp
Classification: Pathogenic for RYR1-related disorder. Last evaluated: 2024-05-22. Review status: criteria provided, single submitter. Criteria: Invitae Variant Classification Sherloc (09022015). Collection method: clinical testing. Allele origin: germline.
Comment: This sequence change creates a premature translational stop signal (p.Arg75*) in the RYR1 gene. It is expected to result in an absent or disrupted protein product. Loss-of-function variants in RYR1 are known to be pathogenic (PMID: 23919265, 25960145, 28818389, 30611313). This variant is present in population databases (no rsID available, gnomAD 0.006%). This variant has not been reported in the literature in individuals affected with RYR1-related conditions. ClinVar contains an entry for this variant (Variation ID: 544401). For these reasons, this variant has been classified as Pathogenic.

All of Us Research Program, National Institutes of Health
Classification: Uncertain significance for Malignant hyperthermia, susceptibility to, 1. Last evaluated: 2023-04-03. Review status: criteria provided, single submitter. Criteria: ACMG Guidelines, 2015. Collection method: clinical testing. Allele origin: germline. Inheritance: Autosomal dominant inheritance. Observed: 1 variant allele, 1 heterozygote.
Comment: This variant changes 1 nucleotide in exon 3 of the RYR1 gene, creating a premature translation stop signal. This variant is expected to result in an absent or non-functional protein product. This variant has not been reported in individuals affected with RYR1-related disorders in the literature. This variant has been identified in 2/251252 chromosomes in the general population by the Genome Aggregation Database (gnomAD). Loss of RYR1 function due to haploinsufficiency is not an established disease mechanism for autosomal dominant malignant hyperthermia, although it is associated with other phenotype(s) (ClinVar Variation ID: 544401). Due to insufficient evidence, this variant is classified as a Variant of Uncertain Significance for autosomal dominant malignant hyperthermia.

This study involves interpretation of variants in research participants for the purpose of population health screening. Participant phenotype was not available at the time of variant classification. Additional details can be found in publication PMID: 35346344, PMCID: PMC8962531

Clinical Genetics Service, Universitary Hospital 12 de Octubre
Classification: Pathogenic for Congenital multicore myopathy with external ophthalmoplegia. Review status: criteria provided, single submitter. Criteria: ACMG Guidelines, 2015. Collection method: clinical testing. Allele origin: maternal. Affected: yes.

Literature cited by the submitters: PubMed 23919265 (cited by Labcorp Genetics (formerly Invitae), Labcorp); PubMed 25960145 (cited by Labcorp Genetics (formerly Invitae), Labcorp); PubMed 28818389 (cited by Labcorp Genetics (formerly Invitae), Labcorp); PubMed 30611313 (cited by Labcorp Genetics (formerly Invitae), Labcorp).

NM_000540.3(RYR1):c.223C>T (p.Arg75Ter)

Gene: RYR1 (ryanodine receptor 1; plus strand). Cytogenetic location: 19q13.2.
Variant type: single nucleotide variant.
Coding change: c.223C>T on transcript NM_000540.3 (MANE Select); coding-DNA position 223, C replaced by T.
Protein change: p.Arg75Ter; replaces arginine 75 with a stop codon.
Molecular consequence: nonsense.
Genome position (GRCh38, 1-based): chr19:38,442,406, C>T. VCF-style: chr19-38442406-C-T. GRCh37 (hg19) VCF-style: chr19-38933046-C-T.
Other names: c.223C>T, p.Arg75Ter (NM_001042723.2); short protein forms R75*.
Identifiers: ClinVar variation 544401 (VCV000544401.10), dbSNP rs1346649518, ClinGen allele CA405674145.
Genomic context (GRCh38, chr19:38,442,406, plus strand): 5'-CAGAATGTGCCCCCCGATCTGGCCATCTGTTGCTTCGTCCTGGAGCAGTCCCTGTCTGTG[C>T]GAGCCCTGCAGGAGATGCTGGCTAACACGGTGGAGGCTGGCGTGGAGGTGAGGACCCCAC-3'